The following is an entry in ClinVar:

NM_018297.4(NGLY1):c.1507C>T (p.Arg503Cys)

Gene: NGLY1 (N-glycanase 1; minus strand). Cytogenetic location: 3p24.2.
Variant type: single nucleotide variant.
Coding change: c.1507C>T on transcript NM_018297.4 (MANE Select); coding-DNA position 1507, C replaced by T.
Protein change: p.Arg503Cys; replaces arginine 503 with cysteine.
Molecular consequence: missense variant.
Genome position (GRCh38, 1-based): chr3:25,729,237, G>A on the plus strand (C>T on the coding strand, the complement: NGLY1 is on the minus strand). VCF-style: chr3-25729237-G-A. GRCh37 (hg19) VCF-style: chr3-25770728-G-A.
Other names: c.1453C>T, p.Arg485Cys (NM_001145293.2); c.1381C>T, p.Arg461Cys (NM_001145294.2); c.1507C>T, p.Arg503Cys (NM_001145295.2); c.1507C>T (NM_018297.3); short protein forms R503C, R461C, R485C.
Identifiers: ClinVar variation 1525399 (VCV001525399.6), dbSNP rs745718089, ClinGen allele CA2289137.

ClinVar aggregate classification (germline): Uncertain significance. Review status: criteria provided, multiple submitters, no conflicts (2 of 4 stars). 2 submissions from 2 submitters: Uncertain significance (2). Last evaluated 2025-08-09.

Conditions:
Inborn genetic diseases. Identifiers: MedGen C0950123, MeSH D030342.
Congenital disorder of deglycosylation (CDDG). Identifiers: MedGen C3808991, MONDO:0031376.

Allele frequency attached by ClinVar (database versions not stated): ExAC 0.00002; gnomAD exomes 0.00003; TOPMed 0.00003.
gnomAD v4.1: 41 of 1,552,650 alleles (0.0026%); highest among the groups gnomAD compares: South Asian, 0.0037%; no homozygotes.

Submissions (2):

Ambry Genetics
Classification: Uncertain significance for Inborn genetic diseases. Last evaluated: 2025-08-09. Review status: criteria provided, single submitter. Criteria: Ambry Variant Classification Scheme 2023. Collection method: clinical testing. Allele origin: germline.

Labcorp Genetics (formerly Invitae), Labcorp
Classification: Uncertain significance for Congenital disorder of deglycosylation. Last evaluated: 2021-09-01. Review status: criteria provided, single submitter. Criteria: Invitae Variant Classification Sherloc (09022015). Collection method: clinical testing. Allele origin: germline.
Comment: This sequence change replaces arginine with cysteine at codon 503 of the NGLY1 protein (p.Arg503Cys). The arginine residue is weakly conserved and there is a large physicochemical difference between arginine and cysteine. This variant is present in population databases (rs745718089, ExAC 0.01%). This variant has not been reported in the literature in individuals affected with NGLY1-related conditions. Algorithms developed to predict the effect of missense changes on protein structure and function output the following: SIFT: "Tolerated"; PolyPhen-2: "Benign"; Align-GVGD: "Class C15". The cysteine amino acid residue is found in multiple mammalian species, which suggests that this missense change does not adversely affect protein function. In summary, the available evidence is currently insufficient to determine the role of this variant in disease. Therefore, it has been classified as a Variant of Uncertain Significance.